The following is an entry in ClinVar:

NM_016239.4(MYO15A):c.8713+5G>C

Gene: MYO15A (myosin XVA; plus strand). Cytogenetic location: 17p11.2.
Variant type: single nucleotide variant.
Coding change: c.8713+5G>C on transcript NM_016239.4 (MANE Select); 5 bases into the intron after coding-DNA position 8713, G replaced by C.
Molecular consequence: intron variant.
Genome position (GRCh38, 1-based): chr17:18,157,070, G>C. VCF-style: chr17-18157070-G-C. GRCh37 (hg19) VCF-style: chr17-18060384-G-C.
Identifiers: ClinVar variation 1981047 (VCV001981047.4), dbSNP rs2545303209, ClinGen allele CA2576190693.

ClinVar aggregate classification (germline): Uncertain significance (1 of 4 stars; one submission).

Submission:

Labcorp Genetics (formerly Invitae), Labcorp
Classification: Uncertain significance. Last evaluated: 2023-01-21. Review status: criteria provided, single submitter. Criteria: Invitae Variant Classification Sherloc (09022015). Collection method: clinical testing. Allele origin: germline.
Comment: In summary, the available evidence is currently insufficient to determine the role of this variant in disease. Therefore, it has been classified as a Variant of Uncertain Significance. Variants that disrupt the consensus splice site are a relatively common cause of aberrant splicing (PMID: 17576681, 9536098). Algorithms developed to predict the effect of sequence changes on RNA splicing suggest that this variant may disrupt the consensus splice site. This variant has not been reported in the literature in individuals affected with MYO15A-related conditions. This variant is not present in population databases (gnomAD no frequency). This sequence change falls in intron 49 of the MYO15A gene. It does not directly change the encoded amino acid sequence of the MYO15A protein. It affects a nucleotide within the consensus splice site.

Literature cited by the submitters: PubMed 17576681; PubMed 9536098.